The following is an entry in ClinVar:

ClinVar aggregate classification (germline): Uncertain significance (1 of 4 stars; one submission).

gnomAD v4.1: 2 of 1,613,666 alleles (0.00012%); highest among the groups gnomAD compares: Non-Finnish European, 0.000085%; no homozygotes.

Submission:

Ambry Genetics
Classification: Uncertain significance. Last evaluated: 2025-05-31. Review status: criteria provided, single submitter. Criteria: Ambry Variant Classification Scheme 2023. Collection method: clinical testing. Allele origin: germline.
Comment: The p.N939S variant (also known as c.2816A>G), located in coding exon 9 of the CDK12 gene, results from an A to G substitution at nucleotide position 2816. The asparagine at codon 939 is replaced by serine, an amino acid with highly similar properties. This amino acid position is conserved. In addition, this alteration is predicted to be tolerated by in silico analysis. Based on the available evidence, the clinical significance of this variant remains unclear.

NM_016507.4(CDK12):c.2816A>G (p.Asn939Ser)

Gene: CDK12 (cyclin dependent kinase 12; plus strand). Cytogenetic location: 17q12.
Variant type: single nucleotide variant.
Coding change: c.2816A>G on transcript NM_016507.4 (MANE Select); coding-DNA position 2816, A replaced by G.
Protein change: p.Asn939Ser; replaces asparagine 939 with serine.
Molecular consequence: missense variant.
Genome position (GRCh38, 1-based): chr17:39,515,778, A>G. VCF-style: chr17-39515778-A-G. GRCh37 (hg19) VCF-style: chr17-37672031-A-G.
Other names: c.2816A>G, p.Asn939Ser (NM_015083.4); short protein forms N939S.
Identifiers: ClinVar variation 3999508 (VCV003999508.1).